The following is an entry in ClinVar:

ClinVar aggregate classification (germline): Uncertain significance (1 of 4 stars; one submission).

Conditions:
Shprintzen-Goldberg syndrome (SGS). Also called: SHPRINTZEN-GOLDBERG CRANIOSYNOSTOSIS SYNDROME; CRANIOSYNOSTOSIS WITH ARACHNODACTYLY AND ABDOMINAL HERNIAS; Marfanoid disorder with craniosynostosis type 1; Marfanoid craniosynostosis syndrome; Shprintzen-Goldberg marfanoid syndrome. Identifiers: Orphanet 2462, MedGen C1321551, MONDO:0008426, OMIM 182212.

Submission:

Diagnostics Services (NGS), CSIR - Centre For Cellular And Molecular Biology
Classification: Uncertain significance for Shprintzen-Goldberg syndrome. Last evaluated: 2025-02-05. Review status: criteria provided, single submitter. Criteria: ACMG Guidelines, 2015. Collection method: clinical testing. Allele origin: unknown. Affected: yes. Observed: 1 variant allele, 1 heterozygote.
Comment: The c.121C>T variant is not present in publicly available population databases like 1000 Genomes, EVS, gnomAD, Indian Exome Database or our internal database. This variant has neither been published in literature in individuals affected with SKI-related conditions nor reported to the clinical databases like Human Genome Mutation Database (HGMD), ClinVar or OMIM, in any affected individuals. In-silico pathogenicity prediction programs like SIFT, Polyphen-2, MutationTaster2, CADD, etc predicted the variant to be likely deleterious, however these predictions were not confirmed by published functional studies. This variant is located in a mutational hotspot region of the gene.

NM_003036.4(SKI):c.121C>T (p.Arg41Cys)

Gene: SKI (SKI proto-oncogene; plus strand). Cytogenetic location: 1p36.33.
Variant type: single nucleotide variant.
Coding change: c.121C>T on transcript NM_003036.4 (MANE Select); coding-DNA position 121, C replaced by T.
Protein change: p.Arg41Cys; replaces arginine 41 with cysteine.
Molecular consequence: missense variant.
Genome position (GRCh38, 1-based): chr1:2,228,887, C>T. VCF-style: chr1-2228887-C-T. GRCh37 (hg19) VCF-style: chr1-2160326-C-T.
Other names: short protein forms R41C.
Identifiers: ClinVar variation 3767969 (VCV003767969.1).